The following is an entry in ClinVar:

ClinVar aggregate classification (germline): Uncertain significance (1 of 4 stars; one submission).

Allele frequency attached by ClinVar (database versions not stated): gnomAD exomes below 0.00001.
gnomAD v4.1: 1 of 1,614,154 alleles (0.000062%); highest among the groups gnomAD compares: Admixed American, 0.0017%; no homozygotes.

Submission:

Ambry Genetics
Classification: Uncertain significance. Last evaluated: 2025-06-06. Review status: criteria provided, single submitter. Criteria: Ambry Variant Classification Scheme 2023. Collection method: clinical testing. Allele origin: germline.
Comment: The p.T1506I variant (also known as c.4517C>T), located in coding exon 40 of the KIF1B gene, results from a C to T substitution at nucleotide position 4517. The threonine at codon 1506 is replaced by isoleucine, an amino acid with similar properties. This amino acid position is conserved. In addition, the in silico prediction for this alteration is inconclusive. Since supporting evidence is limited at this time, the clinical significance of this alteration remains unclear.

NM_001365951.3(KIF1B):c.4655C>T (p.Thr1552Ile)

Gene: KIF1B (kinesin family member 1B; plus strand). Cytogenetic location: 1p36.22.
Variant type: single nucleotide variant.
Coding change: c.4655C>T on transcript NM_001365951.3 (MANE Select); coding-DNA position 4655, C replaced by T.
Protein change: p.Thr1552Ile; replaces threonine 1552 with isoleucine.
Molecular consequence: missense variant.
Genome position (GRCh38, 1-based): chr1:10,365,551, C>T. VCF-style: chr1-10365551-C-T. GRCh37 (hg19) VCF-style: chr1-10425609-C-T.
Other names: c.4655C>T, p.Thr1552Ile (NM_001365952.1); c.4517C>T, p.Thr1506Ile (NM_015074.3); short protein forms T1506I, T1552I.
Identifiers: ClinVar variation 1741167 (VCV001741167.3), dbSNP rs2521915516, ClinGen allele CA338322159.
Genomic context (GRCh38, chr1:10,365,551, plus strand): 5'-CCAGCCTCAGCAGTGGGACCCTCAGCACCTCCACCAGTATCTCCTCTCAGATCTCAACCA[C>T]TACCTTTGAAAGCGCCATCACACCTAGCGAGAGCAGTGGCTATGATTCAGGAGACATCGA-3'
Protein context (NP_001352880.1, residues 1542-1562): STSISSQIST[Thr1552Ile]TFESAITPSE